The following is an entry in ClinVar:

ClinVar aggregate classification (germline): Conflicting classifications of pathogenicity. Review status: criteria provided, conflicting classifications (1 of 4 stars). 4 submissions from 4 submitters: Uncertain significance (2); Likely benign (2). Last evaluated 2026-09-01.

Conditions:
Spastic paraplegia. Identifiers: MedGen C0037772, HP:0001258.
Hereditary spastic paraplegia. Also called: Familial spastic paraparesis. Identifiers: Orphanet 685, MedGen C0037773, MONDO:0019064. Disease mechanism: loss of function.

Allele frequency attached by ClinVar (database versions not stated): 1000 Genomes Project 30x 0.00047; gnomAD exomes 0.00004; ExAC 0.00005; TOPMed 0.00008; gnomAD 0.00009; ESP Exome Variant Server 0.00015; 1000 Genomes Project 0.00040.
gnomAD v4.1: 67 of 1,614,176 alleles (0.0042%); highest among the groups gnomAD compares: African/African-American, 0.021%; no homozygotes.

Submissions (4):

CeGaT Center for Human Genetics Tuebingen
Classification: Uncertain significance. Last evaluated: 2026-09-01. Review status: criteria provided, single submitter. Criteria: CeGaT Center For Human Genetics Tuebingen Variant Classification Criteria Version 2. Collection method: clinical testing. Allele origin: germline. Affected: yes. Observed: 1 variant allele.
Comment: ZFYVE26: PM2:Supporting, BP4

Blueprint Genetics
Classification: Likely benign. Last evaluated: 2024-09-02. Review status: criteria provided, single submitter. Criteria: ACMG Guidelines, 2015. Collection method: clinical testing. Allele origin: germline.

Labcorp Genetics (formerly Invitae), Labcorp
Classification: Likely benign for Spastic paraplegia. Last evaluated: 2024-05-09. Review status: criteria provided, single submitter. Criteria: Invitae Variant Classification Sherloc (09022015). Collection method: clinical testing. Allele origin: germline.

Genome Diagnostics Laboratory, The Hospital for Sick Children
Classification: Uncertain significance for Hereditary spastic paraplegia. Last evaluated: 2021-11-10. Review status: criteria provided, single submitter. Criteria: ACMG Guidelines, 2015. Collection method: clinical testing. Allele origin: germline. Affected: yes.

NM_015346.4(ZFYVE26):c.951C>T (p.Ala317=)

Gene: ZFYVE26 (zinc finger FYVE-type containing 26; minus strand). Cytogenetic location: 14q24.1.
Variant type: single nucleotide variant.
Coding change: c.951C>T on transcript NM_015346.4 (MANE Select); coding-DNA position 951, C replaced by T.
Protein change: p.Ala317=; no amino-acid change (alanine 317 retained).
Molecular consequence: synonymous variant.
Genome position (GRCh38, 1-based): chr14:67,806,611, G>A on the plus strand (C>T on the coding strand, the complement: ZFYVE26 is on the minus strand). VCF-style: chr14-67806611-G-A. GRCh37 (hg19) VCF-style: chr14-68273328-G-A.
Identifiers: ClinVar variation 458296 (VCV000458296.17), dbSNP rs142029189, ClinGen allele CA7240656.